The following is an entry in ClinVar:

NM_018082.6(POLR3B):c.3321G>A (p.Pro1107=)

Genes: POLR3B (RNA polymerase III subunit B; plus strand), RFX4-AS1 (RFX4 antisense RNA 1; minus strand). Cytogenetic location: 12q23.3.
Variant type: single nucleotide variant.
Coding change: c.3321G>A on transcript NM_018082.6 (MANE Select); coding-DNA position 3321, G replaced by A.
Protein change: p.Pro1107=; no amino-acid change (proline 1107 retained).
Molecular consequence: synonymous variant.
Genome position (GRCh38, 1-based): chr12:106,509,468, G>A. VCF-style: chr12-106509468-G-A. GRCh37 (hg19) VCF-style: chr12-106903246-G-A.
Other names: c.3147G>A, p.Pro1049= (NM_001160708.2); c.3321G>A (NM_018082.5).
Identifiers: ClinVar variation 2082947 (VCV002082947.7), dbSNP rs113017214, ClinGen allele CA6762464.

ClinVar aggregate classification (germline): Likely benign. Review status: criteria provided, multiple submitters, no conflicts (2 of 4 stars). 3 submissions from 3 submitters: Likely benign (2). 1 of the submissions does not count toward it. Last evaluated 2024-11-05.

Conditions:
POLR3B-related disorder. Also called: POLR3B-related condition; POLR3B-related disorders. Identifiers: MedGen CN378588, MONDO:0700277.

Allele frequency attached by ClinVar (database versions not stated): ExAC 0.00002; gnomAD 0.00004; TOPMed 0.00005; ESP Exome Variant Server 0.00015.
gnomAD v4.1: 62 of 1,613,326 alleles (0.0038%); highest among the groups gnomAD compares: Admixed American, 0.02%; 1 homozygote.

Submissions (3):

Labcorp Genetics (formerly Invitae), Labcorp
Classification: Likely benign. Last evaluated: 2024-11-05. Review status: criteria provided, single submitter. Criteria: Invitae Variant Classification Sherloc (09022015). Collection method: clinical testing. Allele origin: germline.

Blueprint Genetics
Classification: Likely benign. Last evaluated: 2024-10-15. Review status: criteria provided, single submitter. Criteria: ACMG Guidelines, 2015. Collection method: clinical testing. Allele origin: germline.

PreventionGenetics, part of Exact Sciences
Classification: Likely benign for POLR3B-related condition. Last evaluated: 2019-05-02. Review status: no assertion criteria provided. Collection method: clinical testing. Allele origin: germline. Not counted in ClinVar's aggregate classification.
Comment: This variant is classified as likely benign based on ACMG/AMP sequence variant interpretation guidelines (Richards et al. 2015 PMID: 25741868, with internal and published modifications).